The following is an entry in ClinVar:

NM_006516.4(SLC2A1):c.905G>A (p.Gly302Glu)

Gene: SLC2A1 (solute carrier family 2 member 1; minus strand). Cytogenetic location: 1p34.2.
Variant type: single nucleotide variant.
Coding change: c.905G>A on transcript NM_006516.4 (MANE Select); coding-DNA position 905, G replaced by A.
Protein change: p.Gly302Glu; replaces glycine 302 with glutamic acid.
Molecular consequence: missense variant.
Genome position (GRCh38, 1-based): chr1:42,929,277, C>T on the plus strand (G>A on the coding strand, the complement: SLC2A1 is on the minus strand). VCF-style: chr1-42929277-C-T. GRCh37 (hg19) VCF-style: chr1-43394948-C-T.
Other names: short protein forms G302E.
Identifiers: ClinVar variation 3690248 (VCV003690248.2).

ClinVar aggregate classification (germline): Uncertain significance (1 of 4 stars; one submission).

Conditions:
GLUT1 deficiency syndrome 1, autosomal recessive. Identifiers: MedGen C3149117.

Submission:

Labcorp Genetics (formerly Invitae), Labcorp
Classification: Uncertain significance for GLUT1 deficiency syndrome 1, autosomal recessive. Last evaluated: 2024-02-23. Review status: criteria provided, single submitter. Criteria: Invitae Variant Classification Sherloc (09022015). Collection method: clinical testing. Allele origin: germline.
Comment: This sequence change replaces glycine, which is neutral and non-polar, with glutamic acid, which is acidic and polar, at codon 302 of the SLC2A1 protein (p.Gly302Glu). This variant is not present in population databases (gnomAD no frequency). This variant has not been reported in the literature in individuals affected with SLC2A1-related conditions. Advanced modeling of protein sequence and biophysical properties (such as structural, functional, and spatial information, amino acid conservation, physicochemical variation, residue mobility, and thermodynamic stability) performed at Invitae indicates that this missense variant is expected to disrupt SLC2A1 protein function with a positive predictive value of 95%. In summary, the available evidence is currently insufficient to determine the role of this variant in disease. Therefore, it has been classified as a Variant of Uncertain Significance.